The following is an entry in ClinVar:

ClinVar aggregate classification (germline): Likely pathogenic (1 of 4 stars; one submission).

Submission:

GeneDx
Classification: Likely pathogenic. Last evaluated: 2019-10-01. Review status: criteria provided, single submitter. Criteria: GeneDx Variant Classification Process June 2021. Collection method: clinical testing. Allele origin: germline. Affected: yes.
Comment: Not observed in large population cohorts (Lek et al., 2016); In silico analysis, which includes protein predictors and evolutionary conservation, supports a deleterious effect; Has not been previously published as pathogenic or benign to our knowledge

NM_001069.3(TUBB2A):c.401A>T (p.Gln134Leu)

Gene: TUBB2A (tubulin beta 2A class IIa; minus strand). Cytogenetic location: 6p25.2.
Variant type: single nucleotide variant.
Coding change: c.401A>T on transcript NM_001069.3 (MANE Select); coding-DNA position 401, A replaced by T.
Protein change: p.Gln134Leu; replaces glutamine 134 with leucine.
Molecular consequence: missense variant.
Genome position (GRCh38, 1-based): chr6:3,154,800, T>A on the plus strand (A>T on the coding strand, the complement: TUBB2A is on the minus strand). VCF-style: chr6-3154800-T-A. GRCh37 (hg19) VCF-style: chr6-3155034-T-A.
Other names: c.146A>T, p.Gln49Leu (NM_001310315.2); short protein forms Q134L, Q49L.
Identifiers: ClinVar variation 1208720 (VCV001208720.3), dbSNP rs2113785613, ClinGen allele CA362592822.